The following is an entry in ClinVar:

NM_016642.4(SPTBN5):c.315G>A (p.Pro105=)

Genes: SPTBN5 (spectrin beta, non-erythrocytic 5; minus strand), LOC105370792 (uncharacterized LOC105370792; plus strand). Cytogenetic location: 15q15.1.
Variant type: single nucleotide variant.
Coding change: c.315G>A on transcript NM_016642.4 (MANE Select); coding-DNA position 315, G replaced by A.
Protein change: p.Pro105=; no amino-acid change (proline 105 retained).
Molecular consequence: synonymous variant. On other transcripts: non-coding transcript variant (1).
Genome position (GRCh38, 1-based): chr15:41,892,963, C>T on the plus strand (G>A on the coding strand, the complement: SPTBN5 is on the minus strand). VCF-style: chr15-41892963-C-T. GRCh37 (hg19) VCF-style: chr15-42185161-C-T.
Identifiers: ClinVar variation 3051755 (VCV003051755.2), dbSNP rs762396086, ClinGen allele CA7504463.

ClinVar aggregate classification (germline): Likely benign (0 of 4 stars; one submission).

Conditions:
SPTBN5-related disorder. Also called: SPTBN5-related condition.

Allele frequency attached by ClinVar (database versions not stated): gnomAD 0.00002; gnomAD exomes 0.00004; TOPMed 0.00012; ExAC 0.00016.
gnomAD v4.1: 60 of 1,609,072 alleles (0.0037%); highest among the groups gnomAD compares: Admixed American, 0.082%; no homozygotes.

Submission:

PreventionGenetics, part of Exact Sciences
Classification: Likely benign for SPTBN5-related condition. Last evaluated: 2020-01-22. Review status: no assertion criteria provided. Collection method: clinical testing. Allele origin: germline.
Comment: This variant is classified as likely benign based on ACMG/AMP sequence variant interpretation guidelines (Richards et al. 2015 PMID: 25741868, with internal and published modifications).